The following is an entry in ClinVar:

NM_000051.4(ATM):c.2376+2T>C

Gene: ATM (ATM serine/threonine kinase; plus strand). Cytogenetic location: 11q22.3.
Variant type: single nucleotide variant.
Coding change: c.2376+2T>C on transcript NM_000051.4 (MANE Select); the canonical splice donor site of the intron after coding-DNA position 2376, T replaced by C.
Molecular consequence: splice donor variant.
Genome position (GRCh38, 1-based): chr11:108,257,608, T>C. VCF-style: chr11-108257608-T-C. GRCh37 (hg19) VCF-style: chr11-108128335-T-C.
Other names: c.2376+2T>C (NM_001351834.2).
Identifiers: ClinVar variation 1487338 (VCV001487338.8), dbSNP rs2135408476, ClinGen allele CA382540435.

ClinVar aggregate classification (germline): Likely pathogenic (1 of 4 stars; one submission).

Conditions:
Ataxia-telangiectasia syndrome (AT). Also called: LOUIS-BAR SYNDROME; Ataxia-telangiectasia; Cerebello-oculocutaneous telangiectasia; Immunodeficiency with ataxia telangiectasia; ATAXIA-TELANGIECTASIA, COMPLEMENTATION GROUP A; ATAXIA-TELANGIECTASIA, FRESNO VARIANT. Identifiers: Orphanet 100, MedGen C0004135, MONDO:0008840, OMIM 208900.

Submission:

Labcorp Genetics (formerly Invitae), Labcorp
Classification: Likely pathogenic for Ataxia-telangiectasia syndrome. Last evaluated: 2020-11-24. Review status: criteria provided, single submitter. Criteria: Invitae Variant Classification Sherloc (09022015). Collection method: clinical testing. Allele origin: germline.
Comment: Algorithms developed to predict the effect of sequence changes on RNA splicing suggest that this variant may disrupt the consensus splice site, but this prediction has not been confirmed by published transcriptional studies. This sequence change affects a donor splice site in intron 15 of the ATM gene. It is expected to disrupt RNA splicing. Variants that disrupt the donor or acceptor splice site typically lead to a loss of protein function (PMID: 16199547), and loss-of-function variants in ATM are known to be pathogenic (PMID: 23807571, 25614872). This variant is not present in population databases (ExAC no frequency). This variant has not been reported in the literature in individuals with ATM-related conditions. In summary, the currently available evidence indicates that the variant is pathogenic, but additional data are needed to prove that conclusively. Therefore, this variant has been classified as Likely Pathogenic.

Literature cited by the submitters: PubMed 16199547; PubMed 23807571; PubMed 25614872.